The following is an entry in ClinVar:

NM_001164586.2(IGFN1):c.4992G>A (p.Gly1664=)

Gene: IGFN1 (immunoglobulin like and fibronectin type III domain containing 1; plus strand). Cytogenetic location: 1q32.1.
Variant type: single nucleotide variant.
Coding change: c.4992G>A on transcript NM_001164586.2 (MANE Select); coding-DNA position 4992, G replaced by A.
Protein change: p.Gly1664=; no amino-acid change (glycine 1664 retained).
Molecular consequence: synonymous variant. On other transcripts: intron variant (1).
Genome position (GRCh38, 1-based): chr1:201,209,885, G>A. VCF-style: chr1-201209885-G-A. GRCh37 (hg19) VCF-style: chr1-201179013-G-A.
Other names: c.1242-3621G>A (NM_001367841.1).
Identifiers: ClinVar variation 4533432 (VCV004533432.6).

ClinVar aggregate classification (germline): Likely benign (1 of 4 stars; one submission).

Submission:

CeGaT Center for Human Genetics Tuebingen
Classification: Likely benign. Last evaluated: 2026-06-01. Review status: criteria provided, single submitter. Criteria: CeGaT Center For Human Genetics Tuebingen Variant Classification Criteria Version 2. Collection method: clinical testing. Allele origin: germline. Affected: yes. Observed: 4 variant alleles.
Comment: IGFN1: BP4, BP7